The following is an entry in ClinVar:

NM_003801.4(GPAA1):c.26G>A (p.Arg9His)

Genes: GPAA1 (glycosylphosphatidylinositol anchor attachment 1; plus strand), LOC130001364 (ATAC-STARR-seq lymphoblastoid silent region 19654; plus strand). Cytogenetic location: 8q24.3.
Variant type: single nucleotide variant.
Coding change: c.26G>A on transcript NM_003801.4 (MANE Select); coding-DNA position 26, G replaced by A.
Protein change: p.Arg9His; replaces arginine 9 with histidine.
Molecular consequence: missense variant.
Genome position (GRCh38, 1-based): chr8:144,082,756, G>A. VCF-style: chr8-144082756-G-A. GRCh37 (hg19) VCF-style: chr8-145137659-G-A.
Other names: short protein forms R9H.
Identifiers: ClinVar variation 2013464 (VCV002013464.2), dbSNP rs1273598266, ClinGen allele CA372597243.

ClinVar aggregate classification (germline): Uncertain significance (1 of 4 stars; one submission).

Submission:

Labcorp Genetics (formerly Invitae), Labcorp
Classification: Uncertain significance. Last evaluated: 2022-07-03. Review status: criteria provided, single submitter. Criteria: Invitae Variant Classification Sherloc (09022015). Collection method: clinical testing. Allele origin: germline.
Comment: In summary, the available evidence is currently insufficient to determine the role of this variant in disease. Therefore, it has been classified as a Variant of Uncertain Significance. Algorithms developed to predict the effect of missense changes on protein structure and function are either unavailable or do not agree on the potential impact of this missense change (SIFT: "Tolerated"; PolyPhen-2: "Possibly Damaging"; Align-GVGD: "Class C0"). This variant has not been reported in the literature in individuals affected with GPAA1-related conditions. This variant is not present in population databases (gnomAD no frequency). This sequence change replaces arginine, which is basic and polar, with histidine, which is basic and polar, at codon 9 of the GPAA1 protein (p.Arg9His).